The following is an entry in ClinVar:

NM_005228.5(EGFR):c.820A>G (p.Thr274Ala)

Gene: EGFR (epidermal growth factor receptor; plus strand). Cytogenetic location: 7p11.2.
Variant type: single nucleotide variant.
Coding change: c.820A>G on transcript NM_005228.5 (MANE Select); coding-DNA position 820, A replaced by G.
Protein change: p.Thr274Ala; replaces threonine 274 with alanine.
Molecular consequence: missense variant. On other transcripts: intron variant (1).
Genome position (GRCh38, 1-based): chr7:55,154,083, A>G. VCF-style: chr7-55154083-A-G. GRCh37 (hg19) VCF-style: chr7-55221776-A-G.
Other names: c.685A>G, p.Thr229Ala (NM_001346897.2, NM_001346899.2); c.820A>G, p.Thr274Ala (NM_001346898.2, NM_201282.2, NM_201283.2 and 1 more transcripts); c.661A>G, p.Thr221Ala (NM_001346900.2); c.89-1747A>G (NM_001346941.2); short protein forms T221A, T229A, T274A.
Identifiers: ClinVar variation 850604 (VCV000850604.11), dbSNP rs1412517681, ClinGen allele CA367577742.

ClinVar aggregate classification (germline): Uncertain significance. Review status: criteria provided, multiple submitters, no conflicts (2 of 4 stars). 2 submissions from 2 submitters: Uncertain significance (2). Last evaluated 2025-02-05.

Conditions:
EGFR-related lung cancer (EGFR). Identifiers: MedGen CN130014.
Hereditary cancer-predisposing syndrome. Also called: Tumor predisposition; Neoplastic Syndromes, Hereditary; Hereditary neoplastic syndrome; Hereditary Cancer Syndrome. Identifiers: Orphanet 140162, MedGen C0027672, MeSH D009386, MONDO:0015356.

Allele frequency attached by ClinVar (database versions not stated): TOPMed below 0.00001.

Submissions (2):

Labcorp Genetics (formerly Invitae), Labcorp
Classification: Uncertain significance for EGFR-related lung cancer. Last evaluated: 2025-02-05. Review status: criteria provided, single submitter. Criteria: Invitae Variant Classification Sherloc (09022015). Collection method: clinical testing. Allele origin: germline.
Comment: This sequence change replaces threonine, which is neutral and polar, with alanine, which is neutral and non-polar, at codon 274 of the EGFR protein (p.Thr274Ala). This variant is not present in population databases (gnomAD no frequency). This variant has not been reported in the literature in individuals affected with EGFR-related conditions. ClinVar contains an entry for this variant (Variation ID: 850604). Invitae Evidence Modeling of protein sequence and biophysical properties (such as structural, functional, and spatial information, amino acid conservation, physicochemical variation, residue mobility, and thermodynamic stability) indicates that this missense variant is not expected to disrupt EGFR protein function with a negative predictive value of 80%. In summary, the available evidence is currently insufficient to determine the role of this variant in disease. Therefore, it has been classified as a Variant of Uncertain Significance.

Ambry Genetics
Classification: Uncertain significance for Hereditary cancer-predisposing syndrome. Last evaluated: 2024-12-14. Review status: criteria provided, single submitter. Criteria: Ambry Variant Classification Scheme 2023. Collection method: clinical testing. Allele origin: germline.
Comment: The p.T274A variant (also known as c.820A>G), located in coding exon 7 of the EGFR gene, results from an A to G substitution at nucleotide position 820. The threonine at codon 274 is replaced by alanine, an amino acid with similar properties. This amino acid position is conserved. In addition, the in silico prediction for this alteration is inconclusive. Based on the available evidence, the clinical significance of this variant remains unclear.